The following is an entry in ClinVar:

NM_006899.5(IDH3B):c.64G>T (p.Ala22Ser)

Gene: IDH3B (isocitrate dehydrogenase (NAD(+)) 3 non-catalytic subunit beta; minus strand). Cytogenetic location: 20p13.
Variant type: single nucleotide variant.
Coding change: c.64G>T on transcript NM_006899.5 (MANE Select); coding-DNA position 64, G replaced by T.
Protein change: p.Ala22Ser; replaces alanine 22 with serine.
Molecular consequence: missense variant. On other transcripts: non-coding transcript variant (1).
Genome position (GRCh38, 1-based): chr20:2,663,978, C>A on the plus strand (G>T on the coding strand, the complement: IDH3B is on the minus strand). VCF-style: chr20-2663978-C-A. GRCh37 (hg19) VCF-style: chr20-2644624-C-A.
Other names: c.64G>T, p.Ala22Ser (NM_001258384.3, NM_001330763.2, NM_174855.4); short protein forms A22S.
Identifiers: ClinVar variation 2810278 (VCV002810278.3), dbSNP rs2514769597, ClinGen allele CA408041127.

ClinVar aggregate classification (germline): Uncertain significance (1 of 4 stars; one submission).

Submission:

Labcorp Genetics (formerly Invitae), Labcorp
Classification: Uncertain significance. Last evaluated: 2023-02-23. Review status: criteria provided, single submitter. Criteria: Invitae Variant Classification Sherloc (09022015). Collection method: clinical testing. Allele origin: germline.
Comment: In summary, the available evidence is currently insufficient to determine the role of this variant in disease. Therefore, it has been classified as a Variant of Uncertain Significance. An algorithm developed to predict the effect of missense changes on protein structure and function (PolyPhen-2) suggests that this variant is likely to be tolerated. This variant has not been reported in the literature in individuals affected with IDH3B-related conditions. This variant is not present in population databases (gnomAD no frequency). This sequence change replaces alanine, which is neutral and non-polar, with serine, which is neutral and polar, at codon 22 of the IDH3B protein (p.Ala22Ser).